The following is an entry in ClinVar:

NM_001378418.1(TCF20):c.5424T>A (p.Cys1808Ter)

Gene: TCF20 (transcription factor 20; minus strand). Cytogenetic location: 22q13.2.
Variant type: single nucleotide variant.
Coding change: c.5424T>A on transcript NM_001378418.1 (MANE Select); coding-DNA position 5424, T replaced by A.
Protein change: p.Cys1808Ter; replaces cysteine 1808 with a stop codon.
Molecular consequence: nonsense.
Genome position (GRCh38, 1-based): chr22:42,209,882, A>T on the plus strand (T>A on the coding strand, the complement: TCF20 is on the minus strand). VCF-style: chr22-42209882-A-T. GRCh37 (hg19) VCF-style: chr22-42605888-A-T.
Other names: c.5424T>A, p.Cys1808Ter (NM_005650.4, NM_181492.3); short protein forms C1808*.
Identifiers: ClinVar variation 5018894 (VCV005018894.1).
Genomic context (GRCh38, chr22:42,209,882, plus strand): 5'-CACGGAGGGCTTCGAGTCCAAAACAGTCTTTTCACTGCTGCCCTCAGTGGCTGCTTTTTT[A>T]CAAGGGAGCCCCCTGGACAGGGACCGAGGGCCTCCACCACAGTCTTCCGAGCGGTGGCGC-3'

ClinVar aggregate classification (germline): Likely pathogenic (1 of 4 stars; one submission).

Conditions:
Developmental delay with variable intellectual impairment and behavioral abnormalities. Identifiers: MedGen C5193092, MONDO:0032745, OMIM 618430.

Submission:

Juno Genomics, Hangzhou Juno Genomics, Inc
Classification: Likely pathogenic for Developmental delay with variable intellectual impairment and behavioral abnormalities. Review status: criteria provided, single submitter. Criteria: ACMG Guidelines, 2015. Collection method: clinical testing. Allele origin: germline. Affected: yes.
Comment: Absent from controls (or at extremely low frequency if recessive) in Genome Aggregation Database.;Null variant in a gene where loss of function (LOF) is a known mechanism of disease.